The following is an entry in ClinVar:

ClinVar aggregate classification (germline): Benign. Review status: criteria provided, multiple submitters, no conflicts (2 of 4 stars). 2 submissions from 2 submitters: Benign (2). Last evaluated 2024-07-15.

Allele frequency attached by ClinVar (database versions not stated): TOPMed 0.17376; 1000 Genomes Project 0.23223; 1000 Genomes Project 30x 0.22626.
gnomAD v4.1: 296,451 of 1,536,586 alleles (19%); highest among the groups gnomAD compares: East Asian, 58%; 33,766 homozygotes.

Submissions (2):

Unidad de Genómica Garrahan, Hospital de Pediatría Garrahan
Classification: Benign. Last evaluated: 2024-07-15. Review status: criteria provided, single submitter. Criteria: ACMG Guidelines, 2015. Collection method: clinical testing. Allele origin: germline. Affected: no. Observed: 43 variant alleles.
Comment: This variant is classified as Benign based on local population frequency. This variant was detected in 46% of patients studied in a panel designed for Epileptic and Developmental Encephalopathy and Progressive Myoclonus Epilepsy. Number of patients: 43. Only high quality variants are reported.

GeneDx
Classification: Benign. Last evaluated: 2018-06-19. Review status: criteria provided, single submitter. Criteria: GeneDx Variant Classification (06012015). Collection method: clinical testing. Allele origin: germline. Affected: yes.
Comment: This variant is considered likely benign or benign based on one or more of the following criteria: it is a conservative change, it occurs at a poorly conserved position in the protein, it is predicted to be benign by multiple in silico algorithms, and/or has population frequency not consistent with disease.

NM_001182.5(ALDH7A1):c.1415+85A>C

Gene: ALDH7A1 (aldehyde dehydrogenase 7 family member A1; minus strand). Cytogenetic location: 5q23.2.
Variant type: single nucleotide variant.
Coding change: c.1415+85A>C on transcript NM_001182.5 (MANE Select); 85 bases into the intron after coding-DNA position 1415, A replaced by C.
Molecular consequence: intron variant.
Genome position (GRCh38, 1-based): chr5:126,550,111, T>G on the plus strand (A>C on the coding strand, the complement: ALDH7A1 is on the minus strand). VCF-style: chr5-126550111-T-G. GRCh37 (hg19) VCF-style: chr5-125885803-T-G.
Other names: c.1223+85A>C (NM_001202404.2); c.1331+85A>C (NM_001201377.2).
Identifiers: ClinVar variation 670630 (VCV000670630.3), dbSNP rs1038380, ClinGen allele CA126885489.